The following is an entry in ClinVar:

NM_000384.3(APOB):c.4937G>A (p.Arg1646Lys)

Gene: APOB (apolipoprotein B; minus strand). Cytogenetic location: 2p24.1.
Variant type: single nucleotide variant.
Coding change: c.4937G>A on transcript NM_000384.3 (MANE Select); coding-DNA position 4937, G replaced by A.
Protein change: p.Arg1646Lys; replaces arginine 1646 with lysine.
Molecular consequence: missense variant.
Genome position (GRCh38, 1-based): chr2:21,011,931, C>T on the plus strand (G>A on the coding strand, the complement: APOB is on the minus strand). VCF-style: chr2-21011931-C-T. GRCh37 (hg19) VCF-style: chr2-21234803-C-T.
Other names: short protein forms R1646K.
Identifiers: ClinVar variation 2184193 (VCV002184193.4), dbSNP rs1048145717, ClinGen allele CA43507549.
Genomic context (GRCh38, chr2:21,011,931, plus strand): 5'-ACCAGGAGACTACACTTCAAGTTGGTCGTTGCACTGGTAGATATTCCATCTTGGCCAATC[C>T]TTAGTGTCGCCTTGTGAGCACCACTATTAATTTTGTCAGTGCCTAAGATGTCAGCATTTA-3'
Protein context (NP_000375.3, residues 1636-1656): INSGAHKATL[Arg1646Lys]IGQDGISTSA

ClinVar aggregate classification (germline): Uncertain significance (1 of 4 stars; one submission).

Conditions:
Familial hypobetalipoproteinemia 1. Also called: APOB-Related Familial Hypobetalipoproteinemia; Hypobetalipoproteinemia, normotriglyceridemic; Acanthocytosis with hypobetalipoproteinemia. Identifiers: MedGen C4551990, MONDO:0014252, OMIM 615558.
Hypercholesterolemia, autosomal dominant, type B (FHCL2). Also called: Familial Hypercholesterolemia Type B; APOLIPOPROTEIN B-100, FAMILIAL DEFECTIVE; APOLIPOPROTEIN B-100, FAMILIAL LIGAND-DEFECTIVE; HYPERCHOLESTEROLEMIA, FAMILIAL, DUE TO LIGAND-DEFECTIVE APOLIPOPROTEIN B; Hyperlipoproteinemia Type IIb; APOB-Related Familial Hypercholesterolemia, Autosomal Dominant. Identifiers: MedGen C1704417, MONDO:0007751, OMIM 144010.

Allele frequency attached by ClinVar (database versions not stated): gnomAD 0.00001.
gnomAD v4.1: 6 of 1,613,928 alleles (0.00037%); highest among the groups gnomAD compares: African/African-American, 0.0053%; no homozygotes.

Submission:

Labcorp Genetics (formerly Invitae), Labcorp
Classification: Uncertain significance for Familial hypobetalipoproteinemia 1; Hypercholesterolemia, autosomal dominant, type B. Last evaluated: 2022-02-18. Review status: criteria provided, single submitter. Criteria: Invitae Variant Classification Sherloc (09022015). Collection method: clinical testing. Allele origin: germline.
Comment: This sequence change replaces arginine, which is basic and polar, with lysine, which is basic and polar, at codon 1646 of the APOB protein (p.Arg1646Lys). This variant is not present in population databases (gnomAD no frequency). This variant has not been reported in the literature in individuals affected with APOB-related conditions. Algorithms developed to predict the effect of missense changes on protein structure and function output the following: SIFT: "Tolerated"; PolyPhen-2: "Benign"; Align-GVGD: "Class C0". The lysine amino acid residue is found in multiple mammalian species, which suggests that this missense change does not adversely affect protein function. In summary, the available evidence is currently insufficient to determine the role of this variant in disease. Therefore, it has been classified as a Variant of Uncertain Significance.